The following is an entry in ClinVar:

ClinVar aggregate classification (germline): Uncertain significance (1 of 4 stars; one submission).

Conditions:
Early-infantile DEE. Also called: Ohtahara syndrome; Early infantile epileptic encephalopathy with suppression bursts; Early infantile epileptic encephalopathy. Identifiers: Orphanet 1934, MedGen C0393706, MONDO:0800491.

gnomAD v4.1: 1 of 1,613,982 alleles (0.000062%); highest among the groups gnomAD compares: Non-Finnish European, 0.000085%; no homozygotes.

Submission:

Labcorp Genetics (formerly Invitae), Labcorp
Classification: Uncertain significance for Early-infantile DEE. Last evaluated: 2023-11-25. Review status: criteria provided, single submitter. Criteria: Invitae Variant Classification Sherloc (09022015). Collection method: clinical testing. Allele origin: germline.
Comment: This sequence change replaces proline, which is neutral and non-polar, with alanine, which is neutral and non-polar, at codon 851 of the HCN1 protein (p.Pro851Ala). This variant is not present in population databases (gnomAD no frequency). This missense change has been observed in individual(s) with sinus bradycardia (PMID: 34621433). Advanced modeling of protein sequence and biophysical properties (such as structural, functional, and spatial information, amino acid conservation, physicochemical variation, residue mobility, and thermodynamic stability) performed at Invitae indicates that this missense variant is not expected to disrupt HCN1 protein function with a negative predictive value of 95%. Experimental studies are conflicting or provide insufficient evidence to determine the effect of this variant on HCN1 function (PMID: 34621433). In summary, the available evidence is currently insufficient to determine the role of this variant in disease. Therefore, it has been classified as a Variant of Uncertain Significance.

Literature cited by the submitters: PubMed 34621433.

NM_021072.4(HCN1):c.2551C>G (p.Pro851Ala)

Gene: HCN1 (hyperpolarization activated cyclic nucleotide gated potassium channel 1; minus strand). Cytogenetic location: 5p12.
Variant type: single nucleotide variant.
Coding change: c.2551C>G on transcript NM_021072.4 (MANE Select); coding-DNA position 2551, C replaced by G.
Protein change: p.Pro851Ala; replaces proline 851 with alanine.
Molecular consequence: missense variant.
Genome position (GRCh38, 1-based): chr5:45,262,043, G>C on the plus strand (C>G on the coding strand, the complement: HCN1 is on the minus strand). VCF-style: chr5-45262043-G-C. GRCh37 (hg19) VCF-style: chr5-45262145-G-C.
Other names: short protein forms P851A.
Identifiers: ClinVar variation 2858580 (VCV002858580.3), dbSNP rs1194036783, ClinGen allele CA359703115.